The following is an entry in ClinVar:

ClinVar aggregate classification (germline): Uncertain significance (1 of 4 stars; one submission).

Conditions:
Familial thoracic aortic aneurysm and aortic dissection (TAAD). Also called: Thoracic aortic aneurysms and dissections. Identifiers: Orphanet 91387, MedGen C4707243, MONDO:0019625.

Submission:

Ambry Genetics
Classification: Uncertain significance for Familial thoracic aortic aneurysm and aortic dissection. Last evaluated: 2022-08-26. Review status: criteria provided, single submitter. Criteria: Ambry Variant Classification Scheme 2023. Collection method: clinical testing. Allele origin: germline.
Comment: The p.G147R variant (also known as c.439G>A), located in coding exon 6 of the COL5A2 gene, results from a G to A substitution at nucleotide position 439. The glycine at codon 147 is replaced by arginine, an amino acid with dissimilar properties. This amino acid position is highly conserved in available vertebrate species. In addition, this alteration is predicted to be deleterious by in silico analysis. Since supporting evidence is limited at this time, the clinical significance of this alteration remains unclear.

NM_000393.5(COL5A2):c.439G>A (p.Gly147Arg)

Gene: COL5A2 (collagen type V alpha 2 chain; minus strand). Cytogenetic location: 2q32.2.
Variant type: single nucleotide variant.
Coding change: c.439G>A on transcript NM_000393.5 (MANE Select); coding-DNA position 439, G replaced by A.
Protein change: p.Gly147Arg; replaces glycine 147 with arginine.
Molecular consequence: missense variant.
Genome position (GRCh38, 1-based): chr2:189,097,294, C>T on the plus strand (G>A on the coding strand, the complement: COL5A2 is on the minus strand). VCF-style: chr2-189097294-C-T. GRCh37 (hg19) VCF-style: chr2-189962020-C-T.
Other names: short protein forms G147R.
Identifiers: ClinVar variation 1740288 (VCV001740288.2), dbSNP rs2469390283, ClinGen allele CA349862747.
Genomic context (GRCh38, chr2:189,097,294, plus strand): 5'-ACTGGCTGTACGTTCCCCACAAGGAGCCCTCCTGTCAACTTACAGGTCTTCCTTTTGGCC[C>T]TCGCTCTCCTCTTGGTCCCTGTGATCCTGGAGGTCCCTAAAACAGAAAATGATGATTATG-3'
Protein context (NP_000384.2, residues 137-157): PGSQGPRGER[Gly147Arg]PKGRPGPRGP